The following is an entry in ClinVar:

NM_144999.4(LRRC45):c.1702G>A (p.Glu568Lys)

Gene: LRRC45 (leucine rich repeat containing 45; plus strand). Cytogenetic location: 17q25.3.
Variant type: single nucleotide variant.
Coding change: c.1702G>A on transcript NM_144999.4 (MANE Select); coding-DNA position 1702, G replaced by A.
Protein change: p.Glu568Lys; replaces glutamic acid 568 with lysine.
Molecular consequence: missense variant.
Genome position (GRCh38, 1-based): chr17:82,030,352, G>A. VCF-style: chr17-82030352-G-A. GRCh37 (hg19) VCF-style: chr17-79988228-G-A.
Other names: short protein forms E568K.
Identifiers: ClinVar variation 4996118 (VCV004996118.1).
Genomic context (GRCh38, chr17:82,030,352, plus strand): 5'-TCACTCCCCAGCCTTCGTGCCTGGCAGGAGCTGAGCCTCAAGGACCAGGAAAGGGTGGCC[G>A]AGGTGAGCAGGGTGCGCGTGGAGCTGCAGGAGCAGAACGGCCGGCTGCAGGCGGAGCTGG-3'
Protein context (NP_659436.1, residues 558-578): LSLKDQERVA[Glu568Lys]VSRVRVELQE

ClinVar aggregate classification (germline): Uncertain significance (1 of 4 stars; one submission).

Conditions:
LRRC45-related disorder. Also called: LRRC45-related condition.

gnomAD v4.1: 1 of 1,549,838 alleles (0.000065%); highest among the groups gnomAD compares: Non-Finnish European, 0.000087%; no homozygotes.

Submission:

PreventionGenetics, part of Exact Sciences
Classification: Uncertain significance for LRRC45-related condition. Last evaluated: 2025-12-09. Review status: criteria provided, single submitter. Criteria: ACMG Guidelines, 2015. Collection method: clinical testing. Allele origin: germline.
Comment: The LRRC45 c.1702G>A variant is predicted to result in the amino acid substitution p.Glu568Lys. To our knowledge, this variant has not been reported in the literature. This variant is reported in 0.0018% of alleles in individuals of European (Non-Finnish) descent in gnomAD. At this time, the clinical significance of this variant is uncertain due to the absence of conclusive functional and genetic evidence.